The following is an entry in ClinVar:

ClinVar aggregate classification (germline): Uncertain significance. Review status: criteria provided, multiple submitters, no conflicts (2 of 4 stars). 3 submissions from 3 submitters: Uncertain significance (3). Last evaluated 2024-02-16.

Conditions:
Leukoencephalopathy with mild cerebellar ataxia and white matter edema (LKPAT). Also called: Leukoencephalopathy with ataxia; Leukoencephalopathy with white matter edema; Brain white matter edema; CLCN2-Related Leukoencephalopathy. Identifiers: Orphanet 363540, MedGen C4554120, MONDO:0014292, OMIM 615651. Disease mechanism: loss of function.
Epilepsy, idiopathic generalized, susceptibility to, 11 (EIG11). Identifiers: Orphanet 307, MedGen C2750893, MONDO:0011875, OMIM 607628.
Familial hyperaldosteronism type II. Also called: FH II. Identifiers: Orphanet 404, MedGen C1854107, MONDO:0011576, OMIM 605635.
Inborn genetic diseases. Identifiers: MedGen C0950123, MeSH D030342.

Allele frequency attached by ClinVar (database versions not stated): gnomAD 0.00001.

Submissions (3):

Fulgent Genetics
Classification: Uncertain significance for Familial hyperaldosteronism type II; Epilepsy, idiopathic generalized, susceptibility to, 11; Leukoencephalopathy with mild cerebellar ataxia and white matter edema. Last evaluated: 2024-02-16. Review status: criteria provided, single submitter. Criteria: ACMG Guidelines, 2015. Collection method: clinical testing. Allele origin: germline.

Labcorp Genetics (formerly Invitae), Labcorp
Classification: Uncertain significance. Last evaluated: 2024-02-06. Review status: criteria provided, single submitter. Criteria: Invitae Variant Classification Sherloc (09022015). Collection method: clinical testing. Allele origin: germline.
Comment: This sequence change replaces valine, which is neutral and non-polar, with leucine, which is neutral and non-polar, at codon 515 of the CLCN2 protein (p.Val515Leu). This variant is present in population databases (no rsID available, gnomAD 0.003%). This variant has not been reported in the literature in individuals affected with CLCN2-related conditions. Advanced modeling of protein sequence and biophysical properties (such as structural, functional, and spatial information, amino acid conservation, physicochemical variation, residue mobility, and thermodynamic stability) performed at Invitae indicates that this missense variant is not expected to disrupt CLCN2 protein function with a negative predictive value of 80%. In summary, the available evidence is currently insufficient to determine the role of this variant in disease. Therefore, it has been classified as a Variant of Uncertain Significance.

Ambry Genetics
Classification: Uncertain significance for Inborn genetic diseases. Last evaluated: 2024-01-08. Review status: criteria provided, single submitter. Criteria: Ambry Variant Classification Scheme 2023. Collection method: clinical testing. Allele origin: germline.

NM_004366.6(CLCN2):c.1543G>C (p.Val515Leu)

Gene: CLCN2 (chloride voltage-gated channel 2; minus strand). Cytogenetic location: 3q27.1.
Variant type: single nucleotide variant.
Coding change: c.1543G>C on transcript NM_004366.6 (MANE Select); coding-DNA position 1543, G replaced by C.
Protein change: p.Val515Leu; replaces valine 515 with leucine.
Molecular consequence: missense variant.
Genome position (GRCh38, 1-based): chr3:184,354,279, C>G on the plus strand (G>C on the coding strand, the complement: CLCN2 is on the minus strand). VCF-style: chr3-184354279-C-G. GRCh37 (hg19) VCF-style: chr3-184072067-C-G.
Other names: c.1492G>C, p.Val498Leu (NM_001171087.3); c.1411G>C, p.Val471Leu (NM_001171088.3); c.1543G>C, p.Val515Leu (NM_001171089.3); short protein forms V515L, V471L, V498L.
Identifiers: ClinVar variation 3145401 (VCV003145401.4), dbSNP rs778519053, ClinGen allele CA355450065.